The following is an entry in ClinVar:

NM_177438.3(DICER1):c.5405T>C (p.Ile1802Thr)

Gene: DICER1 (dicer 1, ribonuclease III; minus strand). Cytogenetic location: 14q32.13.
Variant type: single nucleotide variant.
Coding change: c.5405T>C on transcript NM_177438.3 (MANE Select); coding-DNA position 5405, T replaced by C.
Protein change: p.Ile1802Thr; replaces isoleucine 1802 with threonine.
Molecular consequence: missense variant. On other transcripts: non-coding transcript variant (6), intron variant (1).
Genome position (GRCh38, 1-based): chr14:95,091,325, A>G on the plus strand (T>C on the coding strand, the complement: DICER1 is on the minus strand). VCF-style: chr14-95091325-A-G. GRCh37 (hg19) VCF-style: chr14-95557662-A-G.
Other names: c.5405T>C, p.Ile1802Thr (NM_001271282.3, NM_001291628.2, NM_001395677.1 and 8 more transcripts); c.5123T>C, p.Ile1708Thr (NM_001395686.1); c.5000T>C, p.Ile1667Thr (NM_001395687.1, NM_001395688.1, NM_001395689.1 and 1 more transcripts); c.4838T>C, p.Ile1613Thr (NM_001395691.1); c.3722T>C, p.Ile1241Thr (NM_001395697.1); c.5365-216T>C (NM_001195573.1); short protein forms I1613T, I1802T, I1667T, I1241T, I1708T.
Identifiers: ClinVar variation 2702708 (VCV002702708.3), dbSNP rs2139778935, ClinGen allele CA390864729.

ClinVar aggregate classification (germline): Uncertain significance (1 of 4 stars; one submission).

Conditions:
DICER1-related tumor predisposition. Also called: DICER1-related pleuropulmonary blastoma cancer predisposition syndrome; DICER1 syndrome. Identifiers: Orphanet 284343, MedGen C3839822, MONDO:0100216.

Submission:

Labcorp Genetics (formerly Invitae), Labcorp
Classification: Uncertain significance for DICER1-related tumor predisposition. Last evaluated: 2023-12-13. Review status: criteria provided, single submitter. Criteria: Invitae Variant Classification Sherloc (09022015). Collection method: clinical testing. Allele origin: germline.
Comment: This sequence change replaces isoleucine, which is neutral and non-polar, with threonine, which is neutral and polar, at codon 1802 of the DICER1 protein (p.Ile1802Thr). This variant is not present in population databases (gnomAD no frequency). This variant has not been reported in the literature in individuals affected with DICER1-related conditions. An algorithm developed to predict the effect of missense changes on protein structure and function (PolyPhen-2) suggests that this variant is likely to be disruptive. In summary, the available evidence is currently insufficient to determine the role of this variant in disease. Therefore, it has been classified as a Variant of Uncertain Significance.